The following is an entry in ClinVar:

ClinVar aggregate classification (germline): Uncertain significance. Review status: criteria provided, multiple submitters, no conflicts (2 of 4 stars). 2 submissions from 2 submitters: Uncertain significance (2). Last evaluated 2024-04-08.

Conditions:
Cardiovascular phenotype. Identifiers: MedGen CN230736.
Hypertrophic cardiomyopathy. Also called: HYPERTROPHIC MYOCARDIOPATHY. Identifiers: Orphanet 217569, MedGen C0007194, MeSH D002312, MONDO:0005045, HP:0001639.

Allele frequency attached by ClinVar (database versions not stated): gnomAD exomes 0.00001 and below 0.00001; gnomAD 0.00001; ExAC 0.00001.
gnomAD v4.1: 7 of 1,613,878 alleles (0.00043%); highest among the groups gnomAD compares: Non-Finnish European, 0.00059%; no homozygotes.

Submissions (2):

Labcorp Genetics (formerly Invitae), Labcorp
Classification: Uncertain significance for Hypertrophic cardiomyopathy. Last evaluated: 2024-04-08. Review status: criteria provided, single submitter. Criteria: Invitae Variant Classification Sherloc (09022015). Collection method: clinical testing. Allele origin: germline.
Comment: This sequence change replaces valine, which is neutral and non-polar, with alanine, which is neutral and non-polar, at codon 92 of the MYOZ2 protein (p.Val92Ala). This variant is present in population databases (rs764229797, gnomAD 0.002%). This variant has not been reported in the literature in individuals affected with MYOZ2-related conditions. ClinVar contains an entry for this variant (Variation ID: 454462). Advanced modeling of protein sequence and biophysical properties (such as structural, functional, and spatial information, amino acid conservation, physicochemical variation, residue mobility, and thermodynamic stability) performed at Invitae indicates that this missense variant is not expected to disrupt MYOZ2 protein function with a negative predictive value of 80%. In summary, the available evidence is currently insufficient to determine the role of this variant in disease. Therefore, it has been classified as a Variant of Uncertain Significance.

Ambry Genetics
Classification: Uncertain significance for Cardiovascular phenotype. Last evaluated: 2022-07-08. Review status: criteria provided, single submitter. Criteria: Ambry Variant Classification Scheme 2023. Collection method: clinical testing. Allele origin: germline.
Comment: The p.V92A variant (also known as c.275T>C), located in coding exon 3 of the MYOZ2 gene, results from a T to C substitution at nucleotide position 275. The valine at codon 92 is replaced by alanine, an amino acid with similar properties. This amino acid position is conserved. In addition, this alteration is predicted to be tolerated by in silico analysis. Since supporting evidence is limited at this time, the clinical significance of this alteration remains unclear.

NM_016599.5(MYOZ2):c.275T>C (p.Val92Ala)

Gene: MYOZ2 (myozenin 2; plus strand). Cytogenetic location: 4q26.
Variant type: single nucleotide variant.
Coding change: c.275T>C on transcript NM_016599.5 (MANE Select); coding-DNA position 275, T replaced by C.
Protein change: p.Val92Ala; replaces valine 92 with alanine.
Molecular consequence: missense variant.
Genome position (GRCh38, 1-based): chr4:119,158,050, T>C. VCF-style: chr4-119158050-T-C. GRCh37 (hg19) VCF-style: chr4-120079205-T-C.
Other names: short protein forms V92A.
Identifiers: ClinVar variation 454462 (VCV000454462.7), dbSNP rs764229797, ClinGen allele CA3058588.